The following is an entry in ClinVar:

NM_001199138.2(NLRC4):c.2615T>A (p.Ile872Asn)

Gene: NLRC4 (NLR family CARD domain containing 4; minus strand). Cytogenetic location: 2p22.3.
Variant type: single nucleotide variant.
Coding change: c.2615T>A on transcript NM_001199138.2 (MANE Select); coding-DNA position 2615, T replaced by A.
Protein change: p.Ile872Asn; replaces isoleucine 872 with asparagine.
Molecular consequence: missense variant.
Genome position (GRCh38, 1-based): chr2:32,235,568, A>T on the plus strand (T>A on the coding strand, the complement: NLRC4 is on the minus strand). VCF-style: chr2-32235568-A-T. GRCh37 (hg19) VCF-style: chr2-32460637-A-T.
Other names: c.2615T>A, p.Ile872Asn (NM_001199139.2, NM_021209.5); c.620T>A, p.Ile207Asn (NM_001302504.2); short protein forms I872N, I207N.
Identifiers: ClinVar variation 2946648 (VCV002946648.3), dbSNP rs747839624, ClinGen allele CA346520916.
Genomic context (GRCh38, chr2:32,235,568, plus strand): 5'-ACGTCACAGCCCCAGGGCAGCATCAGTGCGGTGAGCTGTTCTAGCACGTTCATCCTGTCG[A>T]CTGGAAGAAACAAAGAGCAGTTCAGGGACTGGATGGTCTCAAAACTGAGGAAGAACAAAG-3'
Protein context (NP_001186067.1, residues 862-882): KDGNEALHEL[Ile872Asn]DRMNVLEQLT

ClinVar aggregate classification (germline): Uncertain significance (1 of 4 stars; one submission).

Conditions:
Periodic fever-infantile enterocolitis-autoinflammatory syndrome. Also called: Autoinflammation with infantile enterocolitis. Identifiers: Orphanet 436166, MedGen C4015067, MONDO:0014472, OMIM 616050.
Familial cold autoinflammatory syndrome 4 (FCAS4). Identifiers: Orphanet 47045, Orphanet 576349, MedGen C4015276, MONDO:0014498, OMIM 616115.

Submission:

Labcorp Genetics (formerly Invitae), Labcorp
Classification: Uncertain significance for Periodic fever-infantile enterocolitis-autoinflammatory syndrome; Familial cold autoinflammatory syndrome 4. Last evaluated: 2023-04-12. Review status: criteria provided, single submitter. Criteria: Invitae Variant Classification Sherloc (09022015). Collection method: clinical testing. Allele origin: germline.
Comment: This variant has not been reported in the literature in individuals affected with NLRC4-related conditions. This variant is not present in population databases (gnomAD no frequency). An algorithm developed to predict the effect of missense changes on protein structure and function (PolyPhen-2) suggests that this variant is likely to be tolerated. In summary, the available evidence is currently insufficient to determine the role of this variant in disease. Therefore, it has been classified as a Variant of Uncertain Significance. This sequence change replaces isoleucine, which is neutral and non-polar, with asparagine, which is neutral and polar, at codon 872 of the NLRC4 protein (p.Ile872Asn).